The following is an entry in ClinVar:

NM_001205293.3(CACNA1E):c.5631_5635del (p.Tyr1877_Lys1879delinsTer)

Gene: CACNA1E (calcium voltage-gated channel subunit alpha1 E; plus strand). Cytogenetic location: 1q25.3.
Variant type: Deletion.
Coding change: c.5631_5635del on transcript NM_001205293.3 (MANE Select); coding-DNA positions 5631 to 5635, 5 bases deleted (CTATA; older notation c.5631_5635delCTATA).
Protein change: p.Tyr1877_Lys1879delinsTer.
Molecular consequence: nonsense.
Genome position (GRCh38, 1-based): chr1:181,785,370-181,785,374, CTATA deleted; deleting any 5 consecutive bases within chr1:181,785,368-181,785,374 gives the same sequence; the c. name uses the placement nearest the transcript's 3' end. VCF-style (leftmost placement, unchanged base first): chr1-181785367-CTACTA-C. GRCh37 (hg19) VCF-style: chr1-181754503-CTACTA-C.
Other names: c.5631_5635del, p.Tyr1877_Lys1879delinsTer (NM_000721.4); c.5574_5578del, p.Tyr1858_Lys1860delinsTer (NM_001205294.2).
Identifiers: ClinVar variation 2662998 (VCV002662998.1), dbSNP rs2529252573, ClinGen allele CA2695199926.
Genomic context (GRCh38, chr1:181,785,367, plus strand): 5'-TGTGTTTCTAGCCTCTGACCTGACTGTGGGCAAAATCTATGCAGCAATGATGATCATGGA[CTACTA>C]TAAGCAGAGTAAGGTGAAGAAGCAGAGGCAGCAGCTGGAGGAACAGGTGAAAGTCAATGC-3'

ClinVar aggregate classification (germline): Uncertain significance (1 of 4 stars; one submission).

Submission:

GeneDx
Classification: Uncertain significance. Last evaluated: 2023-05-12. Review status: criteria provided, single submitter. Criteria: GeneDx Variant Classification Process June 2021. Collection method: clinical testing. Allele origin: germline. Affected: yes.
Comment: Nonsense variant predicted to result in protein truncation or nonsense mediated decay in a gene or region of a gene for which loss of function is not a well-established mechanism of disease; Not observed at significant frequency in large population cohorts (gnomAD); Has not been previously published as pathogenic or benign to our knowledge